The following is an entry in ClinVar:

NM_152716.3(PATL1):c.1553_1555del (p.Lys518del)

Gene: PATL1 (PAT1 homolog 1, processing body mRNA decay factor; minus strand). Cytogenetic location: 11q12.1.
Variant type: Deletion.
Coding change: c.1553_1555del on transcript NM_152716.3 (MANE Select); coding-DNA positions 1553 to 1555, 3 bases deleted (AGA; older notation c.1553_1555delAGA).
Protein change: p.Lys518del; deletes lysine 518.
Molecular consequence: inframe deletion.
Genome position (GRCh38, 1-based): chr11:59,650,783-59,650,785, TCT deleted on the plus strand (AGA on the coding strand, the reverse complement: PATL1 is on the minus strand); deleting any 3 consecutive bases within chr11:59,650,783-59,650,786 gives the same sequence; the c. name uses the placement nearest the transcript's 3' end. VCF-style (leftmost placement, unchanged base first): chr11-59650782-CTCT-C. GRCh37 (hg19) VCF-style: chr11-59418255-CTCT-C.
Other names: short protein forms K518del.
Identifiers: ClinVar variation 3338528 (VCV003338528.1).
Genomic context (GRCh38, chr11:59,650,782, plus strand): 5'-AAACTAACTACAGCAACAAATTCTAAACTTACTTTCTCAATTATAACAAGGGTTTTTCTC[CTCT>C]TGTCTCGAACTTGTTTTTCTTTTGTCTCCTAAAAAAGAGAAGACTATTCAATGCAAATTC-3'

ClinVar aggregate classification (germline): Uncertain significance (1 of 4 stars; one submission).

Submission:

Greenwood Genetic Center Diagnostic Laboratories, Greenwood Genetic Center
Classification: Uncertain significance. Last evaluated: 2024-05-30. Review status: criteria provided, single submitter. Criteria: ACMG Guidelines, 2015. Collection method: clinical testing. Allele origin: germline. Affected: yes.
Comment: Gene of Uncertain Significance